The following is an entry in ClinVar:

NM_000191.3(HMGCL):c.876G>T (p.Thr292=)

Gene: HMGCL (3-hydroxy-3-methylglutaryl-CoA lyase; minus strand). Cytogenetic location: 1p36.11.
Variant type: single nucleotide variant.
Coding change: c.876G>T on transcript NM_000191.3 (MANE Select); coding-DNA position 876, G replaced by T.
Protein change: p.Thr292=; no amino-acid change (threonine 292 retained).
Molecular consequence: synonymous variant.
Genome position (GRCh38, 1-based): chr1:23,804,400, C>A on the plus strand (G>T on the coding strand, the complement: HMGCL is on the minus strand). VCF-style: chr1-23804400-C-A. GRCh37 (hg19) VCF-style: chr1-24130890-C-A.
Other names: c.663G>T, p.Thr221= (NM_001166059.2).
Identifiers: ClinVar variation 2085670 (VCV002085670.2), dbSNP rs753754467, ClinGen allele CA416618256.

ClinVar aggregate classification (germline): Uncertain significance (1 of 4 stars; one submission).

Conditions:
Deficiency of hydroxymethylglutaryl-CoA lyase (HMGCLD). Also called: HMGCL DEFICIENCY; HYDROXYMETHYLGLUTARIC ACIDURIA; HMG-CoA LYASE DEFICIENCY; Defect in leucine metabolism; 3-hydroxy-3-methylglutaric aciduria. Identifiers: Orphanet 20, MedGen C1533587, MONDO:0009520, OMIM 246450.

gnomAD v4.1: 13 of 1,614,166 alleles (0.00081%); highest among the groups gnomAD compares: Non-Finnish European, 0.0011%; no homozygotes.

Submission:

Labcorp Genetics (formerly Invitae), Labcorp
Classification: Uncertain significance for Deficiency of hydroxymethylglutaryl-CoA lyase. Last evaluated: 2025-10-02. Review status: criteria provided, single submitter. Criteria: Invitae Variant Classification Sherloc (09022015). Collection method: clinical testing. Allele origin: germline.
Comment: This sequence change affects codon 292 of the HMGCL mRNA. It is a 'silent' change, meaning that it does not change the encoded amino acid sequence of the HMGCL protein. This variant also falls at the last nucleotide of exon 8, which is part of the consensus splice site for this exon. This variant is present in population databases (no rsID available, gnomAD 0.0009%). This variant has not been reported in the literature in individuals affected with HMGCL-related conditions. ClinVar contains an entry for this variant (Variation ID: 2085670). Variants that disrupt the consensus splice site are a relatively common cause of aberrant splicing (PMID: 17576681, 9536098). Algorithms developed to predict the effect of sequence changes on RNA splicing suggest that this variant may disrupt the consensus splice site. In summary, the available evidence is currently insufficient to determine the role of this variant in disease. Therefore, it has been classified as a Variant of Uncertain Significance.

Literature cited by the submitters: PubMed 17576681; PubMed 9536098.